The following is an entry in ClinVar:

ClinVar aggregate classification (germline): Uncertain significance (1 of 4 stars; one submission).

Allele frequency attached by ClinVar (database versions not stated): gnomAD exomes below 0.00001; TOPMed below 0.00001.
gnomAD v4.1: 4 of 1,614,066 alleles (0.00025%); highest among the groups gnomAD compares: Admixed American, 0.0017%; no homozygotes.

Submission:

Labcorp Genetics (formerly Invitae), Labcorp
Classification: Uncertain significance. Last evaluated: 2022-11-08. Review status: criteria provided, single submitter. Criteria: Invitae Variant Classification Sherloc (09022015). Collection method: clinical testing. Allele origin: germline.
Comment: In summary, the available evidence is currently insufficient to determine the role of this variant in disease. Therefore, it has been classified as a Variant of Uncertain Significance. Advanced modeling of protein sequence and biophysical properties (such as structural, functional, and spatial information, amino acid conservation, physicochemical variation, residue mobility, and thermodynamic stability) has been performed at Invitae for this missense variant, however the output from this modeling did not meet the statistical confidence thresholds required to predict the impact of this variant on SNRNP200 protein function. This sequence change replaces valine, which is neutral and non-polar, with methionine, which is neutral and non-polar, at codon 236 of the SNRNP200 protein (p.Val236Met). This variant is present in population databases (no rsID available, gnomAD 0.003%). This variant has not been reported in the literature in individuals affected with SNRNP200-related conditions. ClinVar contains an entry for this variant (Variation ID: 967096).

NM_014014.5(SNRNP200):c.706G>A (p.Val236Met)

Gene: SNRNP200 (small nuclear ribonucleoprotein U5 subunit 200; minus strand). Cytogenetic location: 2q11.2.
Variant type: single nucleotide variant.
Coding change: c.706G>A on transcript NM_014014.5 (MANE Select); coding-DNA position 706, G replaced by A.
Protein change: p.Val236Met; replaces valine 236 with methionine.
Molecular consequence: missense variant.
Genome position (GRCh38, 1-based): chr2:96,299,352, C>T on the plus strand (G>A on the coding strand, the complement: SNRNP200 is on the minus strand). VCF-style: chr2-96299352-C-T. GRCh37 (hg19) VCF-style: chr2-96965090-C-T.
Other names: short protein forms V236M.
Identifiers: ClinVar variation 967096 (VCV000967096.10), dbSNP rs1202965081, ClinGen allele CA347685860.